The following is an entry in ClinVar:

ClinVar aggregate classification (germline): Uncertain significance (1 of 4 stars; one submission).

Conditions:
Hereditary cancer-predisposing syndrome. Also called: Neoplastic Syndromes, Hereditary; Tumor predisposition; Hereditary Cancer Syndrome; Hereditary neoplastic syndrome. Identifiers: Orphanet 140162, MedGen C0027672, MeSH D009386, MONDO:0015356.

Submission:

Ambry Genetics
Classification: Uncertain significance for Hereditary cancer-predisposing syndrome. Last evaluated: 2021-12-11. Review status: criteria provided, single submitter. Criteria: Ambry Variant Classification Scheme 2023. Collection method: clinical testing. Allele origin: germline.
Comment: The p.K633T variant (also known as c.1898A>C), located in coding exon 6 of the AXIN2 gene, results from an A to C substitution at nucleotide position 1898. The lysine at codon 633 is replaced by threonine, an amino acid with similar properties. This amino acid position is conserved. In addition, this alteration is predicted to be tolerated by in silico analysis. Since supporting evidence is limited at this time, the clinical significance of this alteration remains unclear.

NM_004655.4(AXIN2):c.1898A>C (p.Lys633Thr)

Gene: AXIN2 (axin 2; minus strand). Cytogenetic location: 17q24.1.
Variant type: single nucleotide variant.
Coding change: c.1898A>C on transcript NM_004655.4 (MANE Select); coding-DNA position 1898, A replaced by C.
Protein change: p.Lys633Thr; replaces lysine 633 with threonine.
Molecular consequence: missense variant. On other transcripts: intron variant (1).
Genome position (GRCh38, 1-based): chr17:65,536,878, T>G on the plus strand (A>C on the coding strand, the complement: AXIN2 is on the minus strand). VCF-style: chr17-65536878-T-G. GRCh37 (hg19) VCF-style: chr17-63532996-T-G.
Other names: c.1713-325A>C (NM_001363813.1); short protein forms K633T.
Identifiers: ClinVar variation 1782194 (VCV001782194.2), dbSNP rs2144448232, ClinGen allele CA400676388.